The following is an entry in ClinVar:

NM_194248.3(OTOF):c.1681G>A (p.Glu561Lys)

Gene: OTOF (otoferlin; minus strand). Cytogenetic location: 2p23.3.
Variant type: single nucleotide variant.
Coding change: c.1681G>A on transcript NM_194248.3 (MANE Select); coding-DNA position 1681, G replaced by A.
Protein change: p.Glu561Lys; replaces glutamic acid 561 with lysine.
Molecular consequence: missense variant.
Genome position (GRCh38, 1-based): chr2:26,480,908, C>T on the plus strand (G>A on the coding strand, the complement: OTOF is on the minus strand). VCF-style: chr2-26480908-C-T. GRCh37 (hg19) VCF-style: chr2-26703776-C-T.
Other names: c.1681G>A, p.Glu561Lys (NM_001287489.2); short protein forms E561K.
Identifiers: ClinVar variation 1472356 (VCV001472356.5), dbSNP rs751835146, ClinGen allele CA1564199.
Genomic context (GRCh38, chr2:26,480,908, plus strand): 5'-AGGTGTCTACGATCTCCACAGCCAGGCCCAGCAGGAGCCGGGCCCGGAAGGACACACCCT[C>T]CCCCAGGCCCTCGTTCAGGTCCTGATGCTCATCCAGCAGCGTGTAGTTACGTGTGGAGCC-3'
Protein context (NP_919224.1, residues 551-571): EHQDLNEGLG[Glu561Lys]GVSFRARLLL

ClinVar aggregate classification (germline): Uncertain significance (1 of 4 stars; one submission).

Allele frequency attached by ClinVar (database versions not stated): ExAC 0.00002; gnomAD 0.00003; gnomAD exomes 0.00002; TOPMed 0.00001.
gnomAD v4.1: 38 of 1,612,860 alleles (0.0024%); highest among the groups gnomAD compares: Non-Finnish European, 0.0031%; no homozygotes.

Submission:

Labcorp Genetics (formerly Invitae), Labcorp
Classification: Uncertain significance. Last evaluated: 2021-09-17. Review status: criteria provided, single submitter. Criteria: Invitae Variant Classification Sherloc (09022015). Collection method: clinical testing. Allele origin: germline.
Comment: This sequence change replaces glutamic acid with lysine at codon 561 of the OTOF protein (p.Glu561Lys). The glutamic acid residue is highly conserved and there is a small physicochemical difference between glutamic acid and lysine. This variant is present in population databases (rs751835146, ExAC 0.003%). This variant has not been reported in the literature in individuals affected with OTOF-related conditions. Algorithms developed to predict the effect of missense changes on protein structure and function are either unavailable or do not agree on the potential impact of this missense change (SIFT: "Deleterious"; PolyPhen-2: "Probably Damaging"; Align-GVGD: "Class C0"). In summary, the available evidence is currently insufficient to determine the role of this variant in disease. Therefore, it has been classified as a Variant of Uncertain Significance.